The following is an entry in ClinVar:

ClinVar aggregate classification (germline): Uncertain significance (1 of 4 stars; one submission).

Submission:

Ambry Genetics
Classification: Uncertain significance. Last evaluated: 2024-09-18. Review status: criteria provided, single submitter. Criteria: Ambry Variant Classification Scheme 2023. Collection method: clinical testing. Allele origin: germline.
Comment: The p.L1047V variant (also known as c.3139T>G), located in coding exon 28 of the KIF1B gene, results from a T to G substitution at nucleotide position 3139. The leucine at codon 1047 is replaced by valine, an amino acid with highly similar properties. This amino acid position is conserved. In addition, this alteration is predicted to be tolerated by in silico analysis. Based on the available evidence, the clinical significance of this variant remains unclear.

NM_001365951.3(KIF1B):c.3277T>G (p.Leu1093Val)

Gene: KIF1B (kinesin family member 1B; plus strand). Cytogenetic location: 1p36.22.
Variant type: single nucleotide variant.
Coding change: c.3277T>G on transcript NM_001365951.3 (MANE Select); coding-DNA position 3277, T replaced by G.
Protein change: p.Leu1093Val; replaces leucine 1093 with valine.
Molecular consequence: missense variant.
Genome position (GRCh38, 1-based): chr1:10,337,388, T>G. VCF-style: chr1-10337388-T-G. GRCh37 (hg19) VCF-style: chr1-10397446-T-G.
Other names: c.3277T>G, p.Leu1093Val (NM_001365952.1); c.3139T>G, p.Leu1047Val (NM_015074.3); short protein forms L1093V, L1047V.
Identifiers: ClinVar variation 3534022 (VCV003534022.1).
Genomic context (GRCh38, chr1:10,337,388, plus strand): 5'-TGCATTATTTGAACCATCTGTGTCTTCATTTGACCCTCTTTAGATTTGAAGTCAAGCACT[T>G]TGCTGGATGGTAAGATGGTAATGGAAGGGTTTTCTGAAGAGATTGGCAACCACCTGAAAC-3'
Protein context (NP_001352880.1, residues 1083-1103): INDLDLKSST[Leu1093Val]LDGKMVMEGF